The following is an entry in ClinVar:

NM_000051.4(ATM):c.7837A>G (p.Arg2613Gly)

Genes: ATM (ATM serine/threonine kinase; plus strand), C11orf65 (chromosome 11 open reading frame 65; minus strand). Cytogenetic location: 11q22.3.
Variant type: single nucleotide variant.
Coding change: c.7837A>G on transcript NM_000051.4 (MANE Select); coding-DNA position 7837, A replaced by G.
Protein change: p.Arg2613Gly; replaces arginine 2613 with glycine.
Molecular consequence: missense variant. On other transcripts: intron variant (2).
Genome position (GRCh38, 1-based): chr11:108,332,810, A>G. VCF-style: chr11-108332810-A-G. GRCh37 (hg19) VCF-style: chr11-108203537-A-G.
Other names: c.7837A>G, p.Arg2613Gly (NM_001351834.2); c.641-23739T>C (NM_001330368.2); c.*38+2410T>C (NM_001351110.2); short protein forms R2613G.
Identifiers: ClinVar variation 3703679 (VCV003703679.2).
Genomic context (GRCh38, chr11:108,332,810, plus strand): 5'-TTTTATTAATAGGATCGAACAGAGGCTGCAAATAGAATAATATGTACTATCAGAAGTAGG[A>G]GACCTCAGATGGTCAGAAGTGTTGAGGCACTTTGTGATGCTTATATTATATTAGCAAACT-3'
Protein context (NP_000042.3, residues 2603-2623): NRIICTIRSR[Arg2613Gly]PQMVRSVEAL

ClinVar aggregate classification (germline): Uncertain significance (1 of 4 stars; one submission).

Conditions:
Ataxia-telangiectasia syndrome (AT). Also called: Ataxia-telangiectasia, complementation group D; AT, COMPLEMENTATION GROUP C; ATAXIA-TELANGIECTASIA, COMPLEMENTATION GROUP A; ATAXIA-TELANGIECTASIA, FRESNO VARIANT; Ataxia-telangiectasia; Ataxia-telangiectasia, complementation group E. Identifiers: Orphanet 100, MedGen C0004135, MONDO:0008840, OMIM 208900.

Submission:

Labcorp Genetics (formerly Invitae), Labcorp
Classification: Uncertain significance for Ataxia-telangiectasia syndrome. Last evaluated: 2024-09-11. Review status: criteria provided, single submitter. Criteria: Invitae Variant Classification Sherloc (09022015). Collection method: clinical testing. Allele origin: germline.
Comment: This sequence change replaces arginine, which is basic and polar, with glycine, which is neutral and non-polar, at codon 2613 of the ATM protein (p.Arg2613Gly). This variant is not present in population databases (gnomAD no frequency). This variant has not been reported in the literature in individuals affected with ATM-related conditions. An algorithm developed to predict the effect of missense changes on protein structure and function (PolyPhen-2) suggests that this variant is likely to be tolerated. In summary, the available evidence is currently insufficient to determine the role of this variant in disease. Therefore, it has been classified as a Variant of Uncertain Significance.